The following is an entry in ClinVar:

ClinVar aggregate classification (germline): Uncertain significance (1 of 4 stars; one submission).

gnomAD v4.1: 2 of 1,534,286 alleles (0.00013%); highest among the groups gnomAD compares: Non-Finnish European, 0.00018%; no homozygotes.

Submission:

Labcorp Genetics (formerly Invitae), Labcorp
Classification: Uncertain significance. Last evaluated: 2026-01-12. Review status: criteria provided, single submitter. Criteria: Invitae Variant Classification Sherloc (09022015). Collection method: clinical testing. Allele origin: germline.
Comment: This sequence change replaces arginine, which is basic and polar, with leucine, which is neutral and non-polar, at codon 126 of the PNPLA1 protein (p.Arg126Leu). This variant is not present in population databases (gnomAD no frequency). This variant has not been reported in the literature in individuals affected with PNPLA1-related conditions. An algorithm developed to predict the effect of missense changes on protein structure and function (PolyPhen-2) suggests that this variant is likely to be disruptive. In summary, the available evidence is currently insufficient to determine the role of this variant in disease. Therefore, it has been classified as a Variant of Uncertain Significance.

NM_001374623.1(PNPLA1):c.377G>T (p.Arg126Leu)

Gene: PNPLA1 (patatin like domain 1, omega-hydroxyceramide transacylase; plus strand). Cytogenetic location: 6p21.31.
Variant type: single nucleotide variant.
Coding change: c.377G>T on transcript NM_001374623.1 (MANE Select); coding-DNA position 377, G replaced by T.
Protein change: p.Arg126Leu; replaces arginine 126 with leucine.
Molecular consequence: missense variant.
Genome position (GRCh38, 1-based): chr6:36,291,491, G>T. VCF-style: chr6-36291491-G-T. GRCh37 (hg19) VCF-style: chr6-36259268-G-T.
Other names: c.92G>T, p.Arg31Leu (NM_001145716.2, NM_173676.2); c.377G>T, p.Arg126Leu (NM_001145717.1); short protein forms R31L, R126L.
Identifiers: ClinVar variation 4773684 (VCV004773684.1).